The following is an entry in ClinVar:

ClinVar aggregate classification (germline): Benign/Likely benign. Review status: criteria provided, multiple submitters, no conflicts (2 of 4 stars). 4 submissions from 4 submitters: Benign (1); Likely benign (3). Last evaluated 2026-07-14.

Conditions:
Hereditary cancer-predisposing syndrome. Also called: Tumor predisposition; Neoplastic Syndromes, Hereditary; Hereditary Cancer Syndrome; Hereditary neoplastic syndrome. Identifiers: Orphanet 140162, MedGen C0027672, MeSH D009386, MONDO:0015356.
Rhabdoid tumor predisposition syndrome 2 (RTPS2). Identifiers: Orphanet 231108, Orphanet 69077, MedGen C2750074, MONDO:0013224, OMIM 613325.

Allele frequency attached by ClinVar (database versions not stated): gnomAD exomes below 0.00001.
gnomAD v4.1: 2 of 1,612,954 alleles (0.00012%); highest among the groups gnomAD compares: Non-Finnish European, 0.000085%; no homozygotes.

Submissions (4):

Myriad Genetics, Inc.
Classification: Benign for Rhabdoid tumor predisposition syndrome 2. Last evaluated: 2026-07-14. Review status: criteria provided, single submitter. Criteria: Myriad Autosomal Dominant, Autosomal Recessive and X-Linked Classification Criteria (2023). Collection method: clinical testing. Allele origin: unknown.
Comment: This variant is considered benign. This variant is a silent/synonymous amino acid change and it is not expected to impact splicing.

Labcorp Genetics (formerly Invitae), Labcorp
Classification: Likely benign for Rhabdoid tumor predisposition syndrome 2. Last evaluated: 2025-12-24. Review status: criteria provided, single submitter. Criteria: Invitae Variant Classification Sherloc (09022015). Collection method: clinical testing. Allele origin: germline.

CeGaT Center for Human Genetics Tuebingen
Classification: Likely benign. Last evaluated: 2025-02-01. Review status: criteria provided, single submitter. Criteria: CeGaT Center For Human Genetics Tuebingen Variant Classification Criteria Version 2. Collection method: clinical testing. Allele origin: germline. Affected: yes. Observed: 1 variant allele.
Comment: SMARCA4: BP4, BP7

Ambry Genetics
Classification: Likely benign for Hereditary cancer-predisposing syndrome. Last evaluated: 2016-03-21. Review status: criteria provided, single submitter. Criteria: Ambry Variant Classification Scheme 2023. Collection method: clinical testing. Allele origin: germline.

NM_003072.5(SMARCA4):c.3006G>A (p.Ala1002=)

Gene: SMARCA4 (SWI/SNF related BAF chromatin remodeling complex subunit ATPase 4; plus strand). Cytogenetic location: 19p13.2.
Variant type: single nucleotide variant.
Coding change: c.3006G>A on transcript NM_003072.5 (MANE Select); coding-DNA position 3006, G replaced by A.
Protein change: p.Ala1002=; no amino-acid change (alanine 1002 retained).
Molecular consequence: synonymous variant. On other transcripts: non-coding transcript variant (1).
Genome position (GRCh38, 1-based): chr19:11,024,363, G>A. VCF-style: chr19-11024363-G-A. GRCh37 (hg19) VCF-style: chr19-11135039-G-A.
Other names: c.3006G>A, p.Ala1002= (NM_001128844.3, NM_001128845.2, NM_001128846.2 and 5 more transcripts).
Identifiers: ClinVar variation 484847 (VCV000484847.28), dbSNP rs1555779998, ClinGen allele CA505490683.
Genomic context (GRCh38, chr19:11,024,363, plus strand): 5'-CCTCGTGAGCATTATGTGTCCCCTGCAGGTGGAGTACGTCATCAAGTGCGACATGTCTGC[G>A]CTGCAGCGAGTGCTCTACCGCCACATGCAGGCCAAGGGCGTGCTGCTGACTGATGGCTCC-3'
Protein context (NP_003063.2, residues 992-1012): VEYVIKCDMS[Ala1002=]LQRVLYRHMQ